The following is an entry in ClinVar:

ClinVar aggregate classification (germline): Uncertain significance (1 of 4 stars; one submission).

Allele frequency attached by ClinVar (database versions not stated): gnomAD 0.00001; TOPMed 0.00002; ESP Exome Variant Server 0.00023.
gnomAD v4.1: 2 of 1,613,640 alleles (0.00012%); highest among the groups gnomAD compares: African/African-American, 0.0027%; no homozygotes.

Submission:

Labcorp Genetics (formerly Invitae), Labcorp
Classification: Uncertain significance. Last evaluated: 2022-10-05. Review status: criteria provided, single submitter. Criteria: Invitae Variant Classification Sherloc (09022015). Collection method: clinical testing. Allele origin: germline.
Comment: This sequence change replaces serine, which is neutral and polar, with tyrosine, which is neutral and polar, at codon 462 of the PTDSS1 protein (p.Ser462Tyr). This variant is not present in population databases (gnomAD no frequency). This variant has not been reported in the literature in individuals affected with PTDSS1-related conditions. Algorithms developed to predict the effect of missense changes on protein structure and function are either unavailable or do not agree on the potential impact of this missense change (SIFT: "Tolerated"; PolyPhen-2: "Probably Damaging"; Align-GVGD: "Class C0"). In summary, the available evidence is currently insufficient to determine the role of this variant in disease. Therefore, it has been classified as a Variant of Uncertain Significance.

NM_014754.3(PTDSS1):c.1385C>A (p.Ser462Tyr)

Gene: PTDSS1 (phosphatidylserine synthase 1; plus strand). Cytogenetic location: 8q22.1.
Variant type: single nucleotide variant.
Coding change: c.1385C>A on transcript NM_014754.3 (MANE Select); coding-DNA position 1385, C replaced by A.
Protein change: p.Ser462Tyr; replaces serine 462 with tyrosine.
Molecular consequence: missense variant.
Genome position (GRCh38, 1-based): chr8:96,333,529, C>A. VCF-style: chr8-96333529-C-A. GRCh37 (hg19) VCF-style: chr8-97345757-C-A.
Other names: c.947C>A, p.Ser316Tyr (NM_001290225.2); short protein forms S316Y, S462Y.
Identifiers: ClinVar variation 1718849 (VCV001718849.5), dbSNP rs369624843, ClinGen allele CA181505040.